The following is an entry in ClinVar:

ClinVar aggregate classification (germline): Benign/Likely benign. Review status: criteria provided, multiple submitters, no conflicts (2 of 4 stars). 3 submissions from 3 submitters: Benign (2); Likely benign (1). Last evaluated 2025-09-08.

Conditions:
Early-infantile DEE. Also called: Ohtahara syndrome; Early infantile epileptic encephalopathy; Early infantile epileptic encephalopathy with suppression bursts. Identifiers: Orphanet 1934, MedGen C0393706, MONDO:0800491.

Allele frequency attached by ClinVar (database versions not stated): gnomAD 0.00006 and 0.00021; TOPMed 0.00009; ExAC 0.00011; gnomAD exomes 0.00024 and 0.00043; 1000 Genomes Project 30x 0.00094; 1000 Genomes Project 0.00120.
gnomAD v4.1: 609 of 1,546,456 alleles (0.039%); highest among the groups gnomAD compares: East Asian, 1.5%; 5 homozygotes.

Submissions (3):

Labcorp Genetics (formerly Invitae), Labcorp
Classification: Benign for Early-infantile DEE. Last evaluated: 2025-09-08. Review status: criteria provided, single submitter. Criteria: Invitae Variant Classification Sherloc (09022015). Collection method: clinical testing. Allele origin: germline.

Blueprint Genetics
Classification: Likely benign. Last evaluated: 2024-08-07. Review status: criteria provided, single submitter. Criteria: ACMG Guidelines, 2015. Collection method: clinical testing. Allele origin: germline.

GeneDx
Classification: Benign. Last evaluated: 2016-09-15. Review status: criteria provided, single submitter. Criteria: GeneDx Variant Classification (06012015). Collection method: clinical testing. Allele origin: germline. Affected: yes.
Comment: This variant is considered likely benign or benign based on one or more of the following criteria: it is a conservative change, it occurs at a poorly conserved position in the protein, it is predicted to be benign by multiple in silico algorithms, and/or has population frequency not consistent with disease.

NM_001130438.3(SPTAN1):c.6689+17G>A

Gene: SPTAN1 (spectrin alpha, non-erythrocytic 1; plus strand). Cytogenetic location: 9q34.11.
Variant type: single nucleotide variant.
Coding change: c.6689+17G>A on transcript NM_001130438.3 (MANE Select); 17 bases into the intron after coding-DNA position 6689, G replaced by A.
Molecular consequence: intron variant.
Genome position (GRCh38, 1-based): chr9:128,627,515, G>A. VCF-style: chr9-128627515-G-A. GRCh37 (hg19) VCF-style: chr9-131389794-G-A.
Other names: c.6689+17G>A (NM_001363759.2); c.6674+17G>A (NM_003127.4); c.6629+17G>A (NM_001363765.2); c.6614+17G>A (NM_001195532.2).
Identifiers: ClinVar variation 378664 (VCV000378664.11), dbSNP rs143675512, ClinGen allele CA5265761.
Genomic context (GRCh38, chr9:128,627,515, plus strand): 5'-GCCCAGCACGCCAACGCCTTCCACCAGTGGATCCAAGAGACCAGGTGCCAGCCCGCTGGG[G>A]CCGGGGAGCAGCAGCATGTCCCTGCTGTACTTAAGCCCTGGGGAGCTTCCAGCCCCAAGG-3'